The following is an entry in ClinVar:

ClinVar aggregate classification (germline): Conflicting classifications of pathogenicity. Review status: criteria provided, conflicting classifications (1 of 4 stars). 9 submissions from 9 submitters: Uncertain significance (2); Likely benign (6). 1 of the submissions does not count toward it. Last evaluated 2026-01-22.

Conditions:
TSC2-related disorder. Also called: TSC2-related condition; TSC2-Related Disorders.
Hereditary cancer-predisposing syndrome. Also called: Hereditary neoplastic syndrome; Tumor predisposition; Hereditary Cancer Syndrome; Neoplastic Syndromes, Hereditary. Identifiers: Orphanet 140162, MedGen C0027672, MeSH D009386, MONDO:0015356.
Tuberous sclerosis syndrome (TSC). Also called: Tuberous sclerosis; Tuberous Sclerosis Complex. Identifiers: Orphanet 805, MedGen C0041341, MONDO:0001734.
Tuberous sclerosis 2 (TSC2). Identifiers: Orphanet 805, MedGen C1860707, MONDO:0013199, OMIM 613254.

Allele frequency attached by ClinVar (database versions not stated): gnomAD exomes 0.00002 and 0.00009; ExAC 0.00003; gnomAD 0.00003; TOPMed 0.00003.

Submissions (9):

PreventionGenetics, part of Exact Sciences
Classification: Likely benign for TSC2-related condition. Last evaluated: 2026-01-22. Review status: criteria provided, single submitter. Criteria: ACMG Guidelines, 2015. Collection method: clinical testing. Allele origin: germline.
Comment: This variant is classified as likely benign based on ACMG/AMP sequence variant interpretation guidelines (Richards et al. 2015 PMID: 25741868, with internal and published modifications).

Labcorp Genetics (formerly Invitae), Labcorp
Classification: Likely benign for Tuberous sclerosis 2. Last evaluated: 2026-01-21. Review status: criteria provided, single submitter. Criteria: Invitae Variant Classification Sherloc (09022015). Collection method: clinical testing. Allele origin: germline.

Mayo Clinic Laboratories, Mayo Clinic
Classification: Uncertain significance. Last evaluated: 2025-12-03. Review status: criteria provided, single submitter. Criteria: ACMG Guidelines, 2015. Collection method: clinical testing. Allele origin: germline. Observed: 2 variant alleles.
Comment: PM2_supporting

Myriad Genetics, Inc.
Classification: Likely benign for Tuberous sclerosis 2. Last evaluated: 2025-06-09. Review status: criteria provided, single submitter. Criteria: Myriad Autosomal Dominant, Autosomal Recessive and X-Linked Classification Criteria (2023). Collection method: clinical testing. Allele origin: unknown.
Comment: This variant is considered likely benign. This variant has been observed at a population frequency that is significantly greater than expected given the associated disease prevalence and penetrance.

Color Diagnostics, LLC DBA Color Health
Classification: Likely benign for Tuberous sclerosis syndrome. Last evaluated: 2022-08-09. Review status: criteria provided, single submitter. Criteria: ACMG Guidelines, 2015. Collection method: clinical testing. Allele origin: germline.

Ambry Genetics
Classification: Likely benign for Hereditary cancer-predisposing syndrome. Last evaluated: 2022-07-05. Review status: criteria provided, single submitter. Criteria: Ambry Variant Classification Scheme 2023. Collection method: clinical testing. Allele origin: germline.

Sema4
Classification: Uncertain significance for Hereditary cancer-predisposing syndrome. Last evaluated: 2022-02-22. Review status: criteria provided, single submitter. Criteria: Sema4 Curation Guidelines. Collection method: curation. Allele origin: germline.
Comment: The TSC2 c.5418T>G (p.F1806L) variant has not been reported in individuals with TSC2-related disease to our knowledge. It was observed in 6/110744 chromosomes of the European (non-Finnish) subpopulation, in the large and broad cohorts of the Genome Aggregation Database (PMID: 32461654). This variant has been reported in ClinVar (Variation ID 41749). Functional studies have not been performed, and in silico predictions of the variant's effect on protein function are inconclusive. The overall evidence is inconsistent with ACMG/AMP requirements for a classification of benign or pathogenic. In summary, the clinical significance of this variant is currently uncertain.

Genome-Nilou Lab
Classification: Likely benign for Tuberous sclerosis 2. Last evaluated: 2021-11-07. Review status: criteria provided, single submitter. Criteria: ACMG Guidelines, 2015. Collection method: clinical testing. Allele origin: germline. Affected: no.

Biesecker Lab/Clinical Genomics Section, National Institutes of Health
Classification: Uncertain significance. Last evaluated: 2012-07-13. Review status: no assertion criteria provided. Collection method: research. Allele origin: germline. Affected: no. Observed: 1 variant allele. Study: ClinSeq. Not counted in ClinVar's aggregate classification.
ClinVar note: Converted during submission from variant of unknown significance to Uncertain significance.

Literature cited by the submitters: PubMed 31595719 (cited by Mayo Clinic Laboratories, Mayo Clinic).

NM_000548.5(TSC2):c.5418T>G (p.Phe1806Leu)

Gene: TSC2 (TSC complex subunit 2; plus strand). Cytogenetic location: 16p13.3.
Variant type: single nucleotide variant.
Coding change: c.5418T>G on transcript NM_000548.5 (MANE Select); coding-DNA position 5418, T replaced by G.
Protein change: p.Phe1806Leu; replaces phenylalanine 1806 with leucine.
Molecular consequence: missense variant.
Genome position (GRCh38, 1-based): chr16:2,088,604, T>G. VCF-style: chr16-2088604-T-G. GRCh37 (hg19) VCF-style: chr16-2138605-T-G.
Other names: c.5217T>G, p.Phe1739Leu (NM_001077183.3); c.5349T>G, p.Phe1783Leu (NM_001114382.3); c.5109T>G, p.Phe1703Leu (NM_001318827.2); c.5073T>G, p.Phe1691Leu (NM_001318829.2); c.4686T>G, p.Phe1562Leu (NM_001318831.2); c.5250T>G, p.Phe1750Leu (NM_001318832.2); c.5220T>G, p.Phe1740Leu (NM_001363528.2); c.5286T>G, p.Phe1762Leu (NM_001370404.1); and 3 more; short protein forms F1806L, F1691L, F1740L, F1759L, F1703L, F1750L, F1763L, F1783L.
Identifiers: ClinVar variation 41749 (VCV000041749.25), dbSNP rs200004126, ClinGen allele CA022504.